The following is an entry in ClinVar:

ClinVar aggregate classification (germline): Benign (1 of 4 stars; one submission).

Allele frequency attached by ClinVar (database versions not stated): 1000 Genomes Project 0.19728; 1000 Genomes Project 30x 0.19925; TOPMed 0.22254; gnomAD 0.22496 and 0.22879.
gnomAD v4.1: 34,206 of 151,944 alleles (23%); highest among the groups gnomAD compares: African/African-American, 31%; 4,320 homozygotes.

Submission:

GeneDx
Classification: Benign. Last evaluated: 2018-06-14. Review status: criteria provided, single submitter. Criteria: GeneDx Variant Classification (06012015). Collection method: clinical testing. Allele origin: germline. Affected: yes.
Comment: This variant is considered likely benign or benign based on one or more of the following criteria: it is a conservative change, it occurs at a poorly conserved position in the protein, it is predicted to be benign by multiple in silico algorithms, and/or has population frequency not consistent with disease.

NM_024577.4(SH3TC2):c.3054-241G>A

Gene: SH3TC2 (SH3 domain and tetratricopeptide repeats 2; minus strand). Cytogenetic location: 5q32.
Variant type: single nucleotide variant.
Coding change: c.3054-241G>A on transcript NM_024577.4 (MANE Select); 241 bases into the intron before coding-DNA position 3054, G replaced by A.
Molecular consequence: intron variant.
Genome position (GRCh38, 1-based): chr5:149,012,975, C>T on the plus strand (G>A on the coding strand, the complement: SH3TC2 is on the minus strand). VCF-style: chr5-149012975-C-T. GRCh37 (hg19) VCF-style: chr5-148392538-C-T.
Identifiers: ClinVar variation 672628 (VCV000672628.1), dbSNP rs55732303, ClinGen allele CA12107342.